The following is an entry in ClinVar:

NM_006031.6(PCNT):c.5442C>G (p.Ser1814Arg)

Gene: PCNT (pericentrin; plus strand). Cytogenetic location: 21q22.3.
Variant type: single nucleotide variant.
Coding change: c.5442C>G on transcript NM_006031.6 (MANE Select); coding-DNA position 5442, C replaced by G.
Protein change: p.Ser1814Arg; replaces serine 1814 with arginine.
Molecular consequence: missense variant.
Genome position (GRCh38, 1-based): chr21:46,411,515, C>G. VCF-style: chr21-46411515-C-G. GRCh37 (hg19) VCF-style: chr21-47831429-C-G.
Other names: c.5088C>G, p.Ser1696Arg (NM_001315529.2); c.5442C>G (NM_006031.5); short protein forms S1696R, S1814R.
Identifiers: ClinVar variation 3681582 (VCV003681582.4).
Genomic context (GRCh38, chr21:46,411,515, plus strand): 5'-TGCGCTGGAAGCCAAGGAGGCCCTGAGCCGGCTGCTGGCTGACCAGGAGCGCAGGCACAG[C>G]CAGGCCCTGGAGGCCCTGCAGCAGCGCCTCCAGGGCGCAGAGGAGGCTGCGGAGCTACAG-3'
Protein context (NP_006022.3, residues 1804-1824): RLLADQERRH[Ser1814Arg]QALEALQQRL

ClinVar aggregate classification (germline): Uncertain significance. Review status: criteria provided, multiple submitters, no conflicts (2 of 4 stars). 3 submissions from 3 submitters: Uncertain significance (3). Last evaluated 2026-06-30.

Conditions:
PCNT-related disorder. Also called: PCNT-related condition.

gnomAD v4.1: 1 of 1,609,716 alleles (0.000062%); highest among the groups gnomAD compares: African/African-American, 0.0013%; no homozygotes.

Submissions (3):

PreventionGenetics, part of Exact Sciences
Classification: Uncertain significance for PCNT-related condition. Last evaluated: 2026-06-30. Review status: criteria provided, single submitter. Criteria: ACMG Guidelines, 2015. Collection method: clinical testing. Allele origin: germline.
Comment: The PCNT c.5442C>G variant is predicted to result in the amino acid substitution p.Ser1814Arg. To our knowledge, this variant has not been reported in the literature or in a large population database (gnomAD), indicating this variant is rare. At this time, the clinical significance of this variant is uncertain due to the absence of conclusive functional and genetic evidence.

Women's Health and Genetics/Laboratory Corporation of America, LabCorp
Classification: Uncertain significance. Last evaluated: 2026-03-26. Review status: criteria provided, single submitter. Criteria: LabCorp Variant Classification Summary - May 2015. Collection method: clinical testing. Allele origin: germline.
Comment: Variant summary: PCNT c.5442C>G (p.Ser1814Arg) results in a non-conservative amino acid change in the encoded protein sequence. Algorithms developed to predict the effect of missense changes on protein structure and function are either unavailable or do not agree on the potential impact of this missense change. The variant was absent in 235666 control chromosomes. The available data on variant occurrences in the general population are insufficient to allow any conclusion about variant significance. To our knowledge, no occurrence of c.5442C>G in individuals affected with PCNT-related conditions and no experimental evidence demonstrating its impact on protein function have been reported. ClinVar contains an entry for this variant (Variation ID: 3681582). Based on the evidence outlined above, the variant was classified as uncertain significance.

Labcorp Genetics (formerly Invitae), Labcorp
Classification: Uncertain significance. Last evaluated: 2024-11-09. Review status: criteria provided, single submitter. Criteria: Invitae Variant Classification Sherloc (09022015). Collection method: clinical testing. Allele origin: germline.
Comment: This sequence change replaces serine, which is neutral and polar, with arginine, which is basic and polar, at codon 1814 of the PCNT protein (p.Ser1814Arg). This variant is not present in population databases (gnomAD no frequency). This variant has not been reported in the literature in individuals affected with PCNT-related conditions. An algorithm developed to predict the effect of missense changes on protein structure and function outputs the following: PolyPhen-2: "Possibly Damaging". The arginine amino acid residue is found in multiple mammalian species, which suggests that this missense change does not adversely affect protein function. In summary, the available evidence is currently insufficient to determine the role of this variant in disease. Therefore, it has been classified as a Variant of Uncertain Significance.